The following is an entry in ClinVar:

ClinVar aggregate classification (germline): Uncertain significance (1 of 4 stars; one submission).

Allele frequency attached by ClinVar (database versions not stated): TOPMed 0.00001 and 0.00003; gnomAD exomes 0.00002; ExAC 0.00002; gnomAD 0.00002.
gnomAD v4.1: 22 of 1,613,950 alleles (0.0014%); highest among the groups gnomAD compares: South Asian, 0.0055%; no homozygotes.

Submission:

Women's Health and Genetics/Laboratory Corporation of America, LabCorp
Classification: Uncertain significance. Last evaluated: 2019-08-26. Review status: criteria provided, single submitter. Criteria: LabCorp Variant Classification Summary - May 2015. Collection method: clinical testing. Allele origin: germline.
Comment: Variant summary: TTN c.2219G>A (p.Arg740His) results in a non-conservative amino acid change located in the Z-disk region of the encoded protein sequence. Four of five in-silico tools predict a benign effect of the variant on protein function. The variant allele was found at a frequency of 2e-05 in 251002 control chromosomes. The available data on variant occurrences in the general population are insufficient to allow any conclusion about variant significance. To our knowledge, no occurrence of c.2219G>A in individuals affected with Cardiomyopathy and no experimental evidence demonstrating its impact on protein function have been reported. Co-occurrence with another likely pathogenic variant in the TTN gene has been observed at our laboratory (TTN c.34782_34785delTTGT, p.Cys11595fs*9), providing supporting evidence for a benign role. No clinical diagnostic laboratories have submitted clinical-significance assessments for this variant to ClinVar after 2014. Based on the evidence outlined above, the variant was classified as uncertain significance.

NM_001267550.2(TTN):c.2219G>A (p.Arg740His)

Gene: TTN (titin; minus strand). Cytogenetic location: 2q31.2.
Variant type: single nucleotide variant.
Coding change: c.2219G>A on transcript NM_001267550.2 (MANE Select); coding-DNA position 2219, G replaced by A.
Protein change: p.Arg740His; replaces arginine 740 with histidine.
Molecular consequence: missense variant.
Genome position (GRCh38, 1-based): chr2:178,785,999, C>T on the plus strand (G>A on the coding strand, the complement: TTN is on the minus strand). VCF-style: chr2-178785999-C-T. GRCh37 (hg19) VCF-style: chr2-179650726-C-T.
Other names: c.2219G>A, p.Arg740His (NM_133378.4, NM_001256850.1, NM_133379.5); c.2081G>A, p.Arg694His (NM_003319.4, NM_133432.3, NM_133437.4); short protein forms R694H, R740H.
Identifiers: ClinVar variation 928718 (VCV000928718.1), dbSNP rs28933405, ClinGen allele CA2005874.